The following is an entry in ClinVar:

NM_000458.4(HNF1B):c.1561C>T (p.Gln521Ter)

Gene: HNF1B (HNF1 homeobox B; minus strand). Cytogenetic location: 17q12.
Variant type: single nucleotide variant.
Coding change: c.1561C>T on transcript NM_000458.4 (MANE Select); coding-DNA position 1561, C replaced by T.
Protein change: p.Gln521Ter; replaces glutamine 521 with a stop codon.
Molecular consequence: nonsense. On other transcripts: intron variant (1).
Genome position (GRCh38, 1-based): chr17:37,699,168, G>A on the plus strand (C>T on the coding strand, the complement: HNF1B is on the minus strand). VCF-style: chr17-37699168-G-A. GRCh37 (hg19) VCF-style: chr17-36059174-G-A.
Other names: c.1483C>T, p.Gln495Ter (NM_001165923.4); c.1261+5749C>T (NM_001304286.2); short protein forms Q521*, Q495*.
Identifiers: ClinVar variation 392411 (VCV000392411.5), dbSNP rs1057524479, ClinGen allele CA16607573.

ClinVar aggregate classification (germline): Pathogenic/Likely pathogenic. Review status: criteria provided, multiple submitters, no conflicts (2 of 4 stars). 4 submissions from 4 submitters: Pathogenic (2); Likely pathogenic (2). Last evaluated 2024-11-27.

Conditions:
HNF1B-related disorder. Also called: HNF1B-related disorders; HNF1B-related condition.
Maturity-onset diabetes of the young (MODY). Also called: Maturity onset diabetes mellitus in young. Identifiers: Orphanet 552, MedGen C0342276, MONDO:0018911, HP:0004904.
Renal cysts and diabetes syndrome (RCAD). Also called: Familial hypoplastic, glomerulocystic kidney; MATURITY-ONSET DIABETES OF THE YOUNG, TYPE 5. Identifiers: Orphanet 93111, MedGen C0431693, MONDO:0007669, OMIM 137920.

Submissions (4):

PreventionGenetics, part of Exact Sciences
Classification: Likely pathogenic for HNF1B-related condition. Last evaluated: 2024-11-27. Review status: criteria provided, single submitter. Criteria: ACMG Guidelines, 2015. Collection method: clinical testing. Allele origin: germline.
Comment: The HNF1B c.1561C>T variant is predicted to result in premature protein termination (p.Gln521*). To our knowledge, this variant has not been reported in the literature or in a large population database (gnomAD), indicating this variant is rare. Nonsense variants in HNF1B are expected to be pathogenic. Although no more downstream nonsense variants than this variant have been reported in the literature, a de novo (likely pathogenic) protein elongation variant (the normal protein terminates at codon 558), defined as c.1547del (p.Lys516Serfs*75), has been reported in a fetus with bilateral hyperechogenic kidneys and abdominal cyst (Deng et al. 2022. PubMed ID: 35065907). The c.1561C>T (p.Gln521*) variant is interpreted as likely pathogenic.

Institute of Human Genetics, FAU Erlangen, Friedrich-Alexander-Universität Erlangen-Nürnberg
Classification: Pathogenic for Renal cysts and diabetes syndrome. Last evaluated: 2019-07-06. Review status: criteria provided, single submitter. Criteria: ACMG Guidelines, 2015. Collection method: literature only. Allele origin: germline. Affected: yes.
Comment: This variant and it's classification has been reported by Vasileiou et al. 2019; DOI:10.1101/576918. The variants has previously been reported in ClinVar:392411 as "NM_000458.3(HNF1B):c.1561C>T (p.Gln521Ter)" with clinical significance Likely pathogenic. It has been re-classified using InterVar and manual curation as Pathogenic based on PVS1 PM2 PP3.

GeneDx
Classification: Likely pathogenic. Last evaluated: 2017-01-09. Review status: criteria provided, single submitter. Criteria: GeneDx Variant Classification (06012015). Collection method: clinical testing. Allele origin: germline. Affected: yes.
Comment: The Q521X variant in the HNF1B gene has not been reported previously as a pathogenic variant nor as a benign variant, to our knowledge. This variant is predicted to cause loss of normal protein function either through protein truncation or nonsense-mediated mRNA decay. The Q521X variant was not observed in approximately 6500 individuals of European and African American ancestry in the NHLBI Exome Sequencing Project, indicating it is not a common benign variant in these populations. Therefore, we interpret Q521X as a likely pathogenic variant

Clinical Genomics, Uppaluri K&H Personalized Medicine Clinic
Classification: Pathogenic for Maturity-onset diabetes of the young. Review status: criteria provided, single submitter. Criteria: K & H Uppaluri Personalized Medicine Clinic Variant Classification & Assertion Criteria_Updated V.1. Collection method: research. Allele origin: unknown. Inheritance: Autosomal dominant inheritance.
Comment: HNF1B gene mutations are associated with early onset diabetes and pancreatic atrophy. It is also associated with multiple renal manifestations including renal cysts, Tubulointerstitial disease, glomerulocystic disease, renal hypoplasia, hypomagnesemia.However no sufficient evidence is found to ascertain the role of this particular variant rs1057524479, yet.

Literature cited by the submitters: DOI 10.1101/576918 (cited by Institute of Human Genetics, FAU Erlangen, Friedrich-Alexander-Universität Erlangen-Nürnberg); PubMed 24897035 (cited by Clinical Genomics, Uppaluri K&H Personalized Medicine Clinic); PubMed 25536396 (cited by Clinical Genomics, Uppaluri K&H Personalized Medicine Clinic); PubMed 27615128 (cited by Clinical Genomics, Uppaluri K&H Personalized Medicine Clinic); PubMed 28215227 (cited by Clinical Genomics, Uppaluri K&H Personalized Medicine Clinic); PubMed 33434175 (cited by Clinical Genomics, Uppaluri K&H Personalized Medicine Clinic); PubMed 25741167 (cited by Clinical Genomics, Uppaluri K&H Personalized Medicine Clinic); PubMed 26340261 (cited by Clinical Genomics, Uppaluri K&H Personalized Medicine Clinic); PubMed 19639018 (cited by Clinical Genomics, Uppaluri K&H Personalized Medicine Clinic).